The following is an entry in ClinVar:

ClinVar aggregate classification (germline): Likely benign (1 of 4 stars; one submission).

Submission:

CeGaT Center for Human Genetics Tuebingen
Classification: Likely benign. Last evaluated: 2022-07-01. Review status: criteria provided, single submitter. Criteria: CeGaT Center For Human Genetics Tuebingen Variant Classification Criteria Version 2. Collection method: clinical testing. Allele origin: germline. Affected: yes. Observed: 2 variant alleles.
Comment: CSPP1: PM2:Supporting, BP4, BP7

NM_001382391.1(CSPP1):c.1824G>A (p.Gln608=)

Gene: CSPP1 (centrosome and spindle pole associated protein 1; plus strand). Cytogenetic location: 8q13.2.
Variant type: single nucleotide variant.
Coding change: c.1824G>A on transcript NM_001382391.1 (MANE Select); coding-DNA position 1824, G replaced by A.
Protein change: p.Gln608=; no amino-acid change (glutamine 608 retained).
Molecular consequence: synonymous variant.
Genome position (GRCh38, 1-based): chr8:67,132,077, G>A. VCF-style: chr8-67132077-G-A. GRCh37 (hg19) VCF-style: chr8-68044312-G-A.
Other names: c.927G>A, p.Gln309= (NM_001291339.2); c.1743G>A, p.Gln581= (NM_001363131.2); c.1782G>A, p.Gln594= (NM_001363132.2); c.1701G>A, p.Gln567= (NM_001363133.2); c.1890G>A, p.Gln630= (NM_001364869.1); c.1710G>A, p.Gln570= (NM_001364870.1); c.1809G>A, p.Gln603= (NM_024790.7).
Identifiers: ClinVar variation 2658636 (VCV002658636.24), dbSNP rs2489157527, ClinGen allele CA461297124.
Genomic context (GRCh38, chr8:67,132,077, plus strand): 5'-TGAAGATAAACCGAAACCTTCCAAACAGTCACTTCAGTCTTACCAAGAGGCTTTGCAGCA[G>A]CAGGTATTGATTCATTTACTCATTTACTGTTGAACCTCTTAAGTGTAAGCATGGTGGTCC-3'
Protein context (NP_001369320.1, residues 598-618): SLQSYQEALQ[Gln608=]QIREREERRK